The following is an entry in ClinVar:

NM_000179.3(MSH6):c.2806del (p.Asp936fs)

Gene: MSH6 (mutS homolog 6; plus strand). Cytogenetic location: 2p16.3.
Variant type: Deletion.
Coding change: c.2806del on transcript NM_000179.3 (MANE Select); coding-DNA position 2806, one base deleted (G; older notation c.2806delG).
Protein change: p.Asp936fs; shifts the reading frame from aspartic acid 936.
Molecular consequence: frameshift variant. On other transcripts: non-coding transcript variant (5), intron variant (2).
Genome position (GRCh38, 1-based): chr2:47,800,789, G deleted. VCF-style (leftmost placement, unchanged base first): chr2-47800788-TG-T. GRCh37 (hg19) VCF-style: chr2-48027927-TG-T.
Other names: c.751del, p.Asp251fs (NM_001407362.1); c.2308+498del (NM_001406803.1); c.1606+1200del (NM_001406817.1); c.2416del, p.Asp806fs (NM_001281492.2); c.1900del, p.Asp634fs (NM_001281493.2, NM_001281494.2, NM_001406811.1 and 6 more transcripts); c.2902del, p.Asp968fs (NM_001406795.1, NM_001406802.1); c.2806del, p.Asp936fs (NM_001406796.1, NM_001406798.1, NM_001406800.1 and 2 more transcripts); c.2509del, p.Asp837fs (NM_001406797.1, NM_001406801.1, NM_001406805.1 and 10 more transcripts); and 4 more; short protein forms D251fs, D634fs, D761fs, D806fs, D837fs, D880fs, D910fs, D936fs.
Identifiers: ClinVar variation 3359102 (VCV003359102.4).
Genomic context (GRCh38, chr2:47,800,788, plus strand): 5'-CTTTGACCATGAAAAGGCTCGAAAGACTGGACTTATTACTCCCAAAGCAGGCTTTGACTC[TG>T]ATTATGACCAAGCTCTTGCTGACATAAGAGAAAATGAACAGAGCCTCCTGGAATACCTAG-3'

ClinVar aggregate classification (germline): Likely pathogenic (1 of 4 stars; one submission).

Conditions:
Lynch syndrome 5 (LYNCH5). Also called: Hereditary non-polyposis colorectal cancer, type 5; Colorectal cancer, hereditary nonpolyposis, type 5. Identifiers: Orphanet 144, MedGen C1833477, MONDO:0013710, OMIM 614350. Disease mechanism: loss of function.

Submission:

Institute of Human Genetics, University of Leipzig Medical Center
Classification: Likely pathogenic for Lynch syndrome 5. Last evaluated: 2026-05-11. Review status: criteria provided, single submitter. Criteria: ACMG Guidelines, 2015. Collection method: clinical testing. Allele origin: unknown. Affected: yes.
Comment: Criteria applied: PVS1,PM2_SUP